The following is an entry in ClinVar:

NM_000059.4(BRCA2):c.9419C>A (p.Ala3140Asp)

Gene: BRCA2 (BRCA2 DNA repair associated; plus strand). Cytogenetic location: 13q13.1.
Variant type: single nucleotide variant.
Coding change: c.9419C>A on transcript NM_000059.4 (MANE Select); coding-DNA position 9419, C replaced by A.
Protein change: p.Ala3140Asp; replaces alanine 3140 with aspartic acid.
Molecular consequence: missense variant. On other transcripts: non-coding transcript variant (1).
Genome position (GRCh38, 1-based): chr13:32,394,851, C>A. VCF-style: chr13-32394851-C-A. GRCh37 (hg19) VCF-style: chr13-32968988-C-A.
Other names: c.9323C>A, p.Ala3108Asp (NM_001406719.1); c.9368C>A, p.Ala3123Asp (NM_001406720.1); c.4487C>A, p.Ala1496Asp (NM_001406721.1); c.3002C>A, p.Ala1001Asp (NM_001406722.1); short protein forms A1001D, A1496D, A3108D, A3123D, A3140D.
Identifiers: ClinVar variation 2629783 (VCV002629783.1), dbSNP rs2073024099, ClinGen allele CA387761465.
Genomic context (GRCh38, chr13:32,394,851, plus strand): 5'-TTGCTGCAAGCAACCTCCAGTGGCGACCAGAATCCAAATCAGGCCTTCTTACTTTATTTG[C>A]TGGAGATTTTTCTGTGTTTTCTGCTAGTCCAAAAGAGGGCCACTTTCAAGAGACATTCAA-3'
Protein context (NP_000050.3, residues 3130-3150): ESKSGLLTLF[Ala3140Asp]GDFSVFSASP

ClinVar aggregate classification (germline): Uncertain significance (1 of 4 stars; one submission).

Conditions:
BRCA2-related disorder. Also called: BRCA2-related condition; BRCA2-related disorders. Identifiers: MedGen CN239275.

Submission:

PreventionGenetics, part of Exact Sciences
Classification: Uncertain significance for BRCA2-related condition. Last evaluated: 2023-01-23. Review status: criteria provided, single submitter. Criteria: ACMG Guidelines, 2015. Collection method: clinical testing. Allele origin: germline.
Comment: The BRCA2 c.9419C>A variant is predicted to result in the amino acid substitution p.Ala3140Asp. To our knowledge, this variant has not been reported in the literature or in a large population database, indicating this variant is rare. At this time, the clinical significance of this variant is uncertain due to the absence of conclusive functional and genetic evidence.